The following is an entry in ClinVar:

NM_003611.3(OFD1):c.2745_2746del (p.Tyr916fs)

Gene: OFD1 (OFD1 centriole and centriolar satellite protein; plus strand). Cytogenetic location: Xp22.2.
Variant type: Deletion.
Coding change: c.2745_2746del on transcript NM_003611.3 (MANE Select); coding-DNA positions 2745 to 2746, 2 bases deleted (GT; older notation c.2745_2746delGT).
Protein change: p.Tyr916fs; shifts the reading frame from tyrosine 916.
Molecular consequence: frameshift variant.
Genome position (GRCh38, 1-based): chrX:13,767,272-13,767,273, GT deleted; deleting any 2 consecutive bases within chrX:13,767,271-13,767,273 gives the same sequence; the c. name uses the placement nearest the transcript's 3' end. VCF-style (leftmost placement, unchanged base first): chrX-13767270-CTG-C. GRCh37 (hg19) VCF-style: chrX-13785389-CTG-C.
Other names: c.2625_2626del, p.Tyr876fs (NM_001330209.2); c.2325_2326del, p.Tyr776fs (NM_001330210.2); c.2745_2746delGT (NM_003611.2); c.2745_2746del (NM_003611.2); short protein forms Y776fs, Y876fs, Y916fs.
Identifiers: ClinVar variation 1073993 (VCV001073993.10), dbSNP rs2147082213, ClinGen allele CA2499226388.

ClinVar aggregate classification (germline): Pathogenic. Review status: criteria provided, multiple submitters, no conflicts (2 of 4 stars). 3 submissions from 3 submitters: Pathogenic (3). Last evaluated 2026-01-15.

Conditions:
Primary ciliary dyskinesia. Also called: Ciliary dyskinesia. Identifiers: Orphanet 244, MedGen C0008780, MONDO:0016575, HP:0012265.
Joubert syndrome. Also called: JOUBERT-BOLTSHAUSER SYNDROME; Familial aplasia of the vermis. Identifiers: Orphanet 475, MedGen C5979921, MONDO:0018772.
Orofaciodigital syndrome I (OFD1). Also called: Papillon-Leage and Psaume Syndrome; Oral-Facial-Digital Syndrome Type I; OFDS I. Identifiers: Orphanet 2750, MedGen C1510460, MONDO:0010702, OMIM 311200.

Submissions (3):

GeneDx
Classification: Pathogenic. Last evaluated: 2026-01-15. Review status: criteria provided, single submitter. Criteria: GeneDx Variant Classification Process June 2021. Collection method: clinical testing. Allele origin: germline.
Comment: Frameshift variant predicted to result in protein truncation or nonsense mediated decay in a gene for which loss of function is a known mechanism of disease; Not observed at significant frequency in large population cohorts (gnomAD); Has not been previously published as pathogenic or benign to our knowledge

Labcorp Genetics (formerly Invitae), Labcorp
Classification: Pathogenic for Orofaciodigital syndrome I; Joubert syndrome. Last evaluated: 2025-11-06. Review status: criteria provided, single submitter. Criteria: Invitae Variant Classification Sherloc (09022015). Collection method: clinical testing. Allele origin: germline.
Comment: This sequence change creates a premature translational stop signal (p.Tyr916Serfs*7) in the OFD1 gene. It is expected to result in an absent or disrupted protein product. Loss-of-function variants in OFD1 are known to be pathogenic (PMID: 16783569, 18546297, 27081566). This variant is not present in population databases (gnomAD no frequency). This variant has not been reported in the literature in individuals affected with OFD1-related conditions. ClinVar contains an entry for this variant (Variation ID: 1073993). For these reasons, this variant has been classified as Pathogenic.

Ambry Genetics
Classification: Pathogenic for Primary ciliary dyskinesia. Last evaluated: 2025-08-11. Review status: criteria provided, single submitter. Criteria: Ambry Variant Classification Scheme 2023. Collection method: clinical testing. Allele origin: germline.
Comment: The c.2745_2746delGT (p.Y916Sfs*7) alteration, located in exon 20 (coding exon 20) of the OFD1 gene, consists of a deletion of 2 nucleotides from position 2745 to 2746, causing a translational frameshift with a predicted alternate stop codon after 7 amino acids. This alteration is expected to result in loss of function by premature protein truncation or nonsense-mediated mRNA decay. This variant was not reported in population-based cohorts in the Genome Aggregation Database (gnomAD). Other variant(s) resulting in the same amino acid change (c.2745_2747delGTAinsC) have been identified in individual(s) with features consistent with primary ciliary dyskinesia (PCD) (Fassad, 2020). Furthermore, other similar truncating variants in the C-terminal region of OFD1 have been detected in males with mild phenotypes, including PCD and Joubert syndrome (Pezzella, 2022). Based on the available evidence, this alteration is classified as pathogenic.

Literature cited by the submitters: PubMed 16783569 (cited by Labcorp Genetics (formerly Invitae), Labcorp); PubMed 18546297 (cited by Labcorp Genetics (formerly Invitae), Labcorp); PubMed 27081566 (cited by Labcorp Genetics (formerly Invitae), Labcorp); PubMed 31366608 (cited by Ambry Genetics); PubMed 31879361 (cited by Ambry Genetics); PubMed 35112477 (cited by Ambry Genetics).